The following is an entry in ClinVar:

ClinVar aggregate classification (germline): Uncertain significance (1 of 4 stars; one submission).

Conditions:
Charcot-Marie-Tooth disease type 2. Also called: Charcot-Marie-Tooth type 2. Identifiers: Orphanet 64746, MedGen C0270914, MONDO:0018993.

Allele frequency attached by ClinVar (database versions not stated): gnomAD exomes below 0.00001; ExAC 0.00001.
gnomAD v4.1: 1 of 1,614,128 alleles (0.000062%); no homozygotes.

Submission:

Labcorp Genetics (formerly Invitae), Labcorp
Classification: Uncertain significance for Charcot-Marie-Tooth disease type 2. Last evaluated: 2021-06-12. Review status: criteria provided, single submitter. Criteria: Invitae Variant Classification Sherloc (09022015). Collection method: clinical testing. Allele origin: germline.
Comment: Algorithms developed to predict the effect of missense changes on protein structure and function (SIFT, PolyPhen-2, Align-GVGD) all suggest that this variant is likely to be tolerated, but these predictions have not been confirmed by published functional studies and their clinical significance is uncertain. This variant has not been reported in the literature in individuals with AARS-related conditions. This variant is present in population databases (rs774737730, ExAC 0.002%). This sequence change replaces threonine with serine at codon 785 of the AARS protein (p.Thr785Ser). The threonine residue is weakly conserved and there is a small physicochemical difference between threonine and serine. In summary, the available evidence is currently insufficient to determine the role of this variant in disease. Therefore, it has been classified as a Variant of Uncertain Significance.

NM_001605.3(AARS1):c.2354C>G (p.Thr785Ser)

Gene: AARS1 (alanyl-tRNA synthetase 1; minus strand). Cytogenetic location: 16q22.1.
Variant type: single nucleotide variant.
Coding change: c.2354C>G on transcript NM_001605.3 (MANE Select); coding-DNA position 2354, C replaced by G.
Protein change: p.Thr785Ser; replaces threonine 785 with serine.
Molecular consequence: missense variant.
Genome position (GRCh38, 1-based): chr16:70,254,667, G>C on the plus strand (C>G on the coding strand, the complement: AARS1 is on the minus strand). VCF-style: chr16-70254667-G-C. GRCh37 (hg19) VCF-style: chr16-70288570-G-C.
Other names: short protein forms T785S.
Identifiers: ClinVar variation 1682138 (VCV001682138.8), dbSNP rs774737730, ClinGen allele CA8140458.